The following is an entry in ClinVar:

NM_000051.4(ATM):c.5653A>G (p.Thr1885Ala)

Gene: ATM (ATM serine/threonine kinase; plus strand). Cytogenetic location: 11q22.3.
Variant type: single nucleotide variant.
Coding change: c.5653A>G on transcript NM_000051.4 (MANE Select); coding-DNA position 5653, A replaced by G.
Protein change: p.Thr1885Ala; replaces threonine 1885 with alanine.
Molecular consequence: missense variant.
Genome position (GRCh38, 1-based): chr11:108,304,831, A>G. VCF-style: chr11-108304831-A-G. GRCh37 (hg19) VCF-style: chr11-108175558-A-G.
Other names: c.5653A>G, p.Thr1885Ala (NM_001351834.2); short protein forms T1885A.
Identifiers: ClinVar variation 489560 (VCV000489560.6), dbSNP rs587779850, ClinGen allele CA382546506.

ClinVar aggregate classification (germline): Uncertain significance. Review status: criteria provided, multiple submitters, no conflicts (2 of 4 stars). 3 submissions from 3 submitters: Uncertain significance (3). Last evaluated 2026-01-13.

Conditions:
Hereditary cancer-predisposing syndrome. Also called: Tumor predisposition; Neoplastic Syndromes, Hereditary; Hereditary Cancer Syndrome; Hereditary neoplastic syndrome. Identifiers: Orphanet 140162, MedGen C0027672, MeSH D009386, MONDO:0015356.
Ataxia-telangiectasia syndrome (AT). Also called: Ataxia-telangiectasia; Ataxia-telangiectasia, complementation group D; AT, COMPLEMENTATION GROUP C; LOUIS-BAR SYNDROME; Cerebello-oculocutaneous telangiectasia; Immunodeficiency with ataxia telangiectasia. Identifiers: Orphanet 100, MedGen C0004135, MONDO:0008840, OMIM 208900.

Submissions (3):

Labcorp Genetics (formerly Invitae), Labcorp
Classification: Uncertain significance for Ataxia-telangiectasia syndrome. Last evaluated: 2026-01-13. Review status: criteria provided, single submitter. Criteria: Invitae Variant Classification Sherloc (09022015). Collection method: clinical testing. Allele origin: germline.
Comment: This sequence change replaces threonine, which is neutral and polar, with alanine, which is neutral and non-polar, at codon 1885 of the ATM protein (p.Thr1885Ala). This variant is not present in population databases (gnomAD no frequency). This variant has not been reported in the literature in individuals affected with ATM-related conditions. ClinVar contains an entry for this variant (Variation ID: 489560). Invitae Evidence Modeling of protein sequence and biophysical properties (such as structural, functional, and spatial information, amino acid conservation, physicochemical variation, residue mobility, and thermodynamic stability) indicates that this missense variant is not expected to disrupt ATM protein function with a negative predictive value of 95%. In summary, the available evidence is currently insufficient to determine the role of this variant in disease. Therefore, it has been classified as a Variant of Uncertain Significance.

Ambry Genetics
Classification: Uncertain significance for Hereditary cancer-predisposing syndrome. Last evaluated: 2025-10-27. Review status: criteria provided, single submitter. Criteria: Ambry Variant Classification Scheme 2023. Collection method: clinical testing. Allele origin: germline.
Comment: The p.T1885A variant (also known as c.5653A>G), located in coding exon 36 of the ATM gene, results from an A to G substitution at nucleotide position 5653. The threonine at codon 1885 is replaced by alanine, an amino acid with similar properties. This amino acid position is highly conserved in available vertebrate species. In addition, the in silico prediction for this alteration is inconclusive. Based on the available evidence, the clinical significance of this variant remains unclear.

Color Diagnostics, LLC DBA Color Health
Classification: Uncertain significance for Hereditary cancer-predisposing syndrome. Last evaluated: 2019-05-02. Review status: criteria provided, single submitter. Criteria: ACMG Guidelines, 2015. Collection method: clinical testing. Allele origin: germline.